The following is an entry in ClinVar:

ClinVar aggregate classification (germline): Uncertain significance (1 of 4 stars; one submission).

Conditions:
Cohen syndrome (COH1). Also called: PEPPER SYNDROME; Cutis verticis gyrata, retinitis pigmentosa, and sensorineural deafness. Identifiers: Orphanet 193, MedGen C0265223, MONDO:0008999, OMIM 216550.

Submission:

Labcorp Genetics (formerly Invitae), Labcorp
Classification: Uncertain significance for Cohen syndrome. Last evaluated: 2018-09-20. Review status: criteria provided, single submitter. Criteria: Invitae Variant Classification Sherloc (09022015). Collection method: clinical testing. Allele origin: germline.
Comment: In summary, the available evidence is currently insufficient to determine the role of this variant in disease. Therefore, it has been classified as a Variant of Uncertain Significance. This variant has not been reported in the literature in individuals with VPS13B-related disease. This variant is an in-frame deletion of the genomic region encompassing exons 5-17 of the VPS13B gene. It preserves the integrity of the reading frame.

NC_000008.11:g.(?_99102933)_(99209688_?)del

Gene: VPS13B (vacuolar protein sorting 13 homolog B; plus strand). Cytogenetic location: 8q22.2.
Variant type: Deletion.
Identifiers: ClinVar variation 665053 (VCV000665053.5).